The following is an entry in ClinVar:

ClinVar aggregate classification (germline): Conflicting classifications of pathogenicity. Review status: criteria provided, conflicting classifications (1 of 4 stars). 2 submissions from 2 submitters: Likely pathogenic (1); Uncertain significance (1). Last evaluated 2022-09-02.

Conditions:
Baraitser-Winter syndrome 1 (BRWS1). Also called: PACHYGYRIA, MENTAL RETARDATION, EPILEPSY, AND CHARACTERISTIC FACIES; MENTAL RETARDATION WITH EPILEPSY AND CHARACTERISTIC FACIES; BARAITSER-WINTER SYNDROME 1, ATYPICAL; Cerebrofrontofacial syndrome. Identifiers: Orphanet 2649, Orphanet 2995, MedGen C1855722, MONDO:0009470, OMIM 243310.

Submissions (2):

Victorian Clinical Genetics Services, Murdoch Childrens Research Institute
Classification: Likely pathogenic for Baraitser-Winter syndrome 1. Last evaluated: 2022-09-02. Review status: criteria provided, single submitter. Criteria: ACMG Guidelines, 2015. Collection method: clinical testing. Allele origin: germline. Inheritance: Autosomal dominant inheritance. Affected: yes.
Comment: Based on the classification scheme VCGS_Germline_v1.1.1, this variant is classified as Likely pathogenic. Following criteria are met: 0103 - Both loss- and gain-of-function are known mechanisms of disease for this gene. Missense variants cause gain of function whilst premature termination variants were shown to result in haploinsufficiency (PMID:29220674). (N) 0107 - This gene is known to be associated with autosomal dominant disease. (N) 0200 - Variant is predicted to result in a missense amino acid change from a glutamic acid to a lysine (exon 4). (N) 0251 - Variant is heterozygous. (N) 0301 - Variant is absent from gnomAD. (P) 0502 - Missense variant with conflicting in silico predictions and/or uninformative conservation. Conflicting in silico but very high conservation. (N) 0603 - Missense variant in a region that is highly intolerant to missense variation (high constraint region). (P) 0705 - No comparable variants have previous evidence for pathogenicity. (N) 0807 - Variant has not previously been reported in a clinical context. (N) 0905 - No segregation evidence has been identified for this variant. (N) 1007 - No published functional evidence has been identified for this variant. (P) Legend: (P) - Pathogenic, (N) - Neutral, (B) - Benign

GeneDx
Classification: Uncertain significance. Last evaluated: 2022-01-24. Review status: criteria provided, single submitter. Criteria: GeneDx Variant Classification Process June 2021. Collection method: clinical testing. Allele origin: germline. Affected: yes.
Comment: De novo variant with confirmed parentage; however, the reported clinical features are only partially consistent with the features typically observed in individuals with pathogenic variants in this gene; In silico analysis supports that this missense variant has a deleterious effect on protein structure/function; Missense variants in this gene are often considered pathogenic (HGMD); Not observed at significant frequency in large population cohorts (gnomAD); Has not been previously published as pathogenic or benign to our knowledge

Literature cited by the submitters: PubMed 29220674 (cited by Victorian Clinical Genetics Services, Murdoch Childrens Research Institute).

NM_001101.5(ACTB):c.721G>A (p.Glu241Lys)

Gene: ACTB (actin beta; minus strand). Cytogenetic location: 7p22.1.
Variant type: single nucleotide variant.
Coding change: c.721G>A on transcript NM_001101.5 (MANE Select); coding-DNA position 721, G replaced by A.
Protein change: p.Glu241Lys; replaces glutamic acid 241 with lysine.
Molecular consequence: missense variant.
Genome position (GRCh38, 1-based): chr7:5,528,362, C>T on the plus strand (G>A on the coding strand, the complement: ACTB is on the minus strand). VCF-style: chr7-5528362-C-T. GRCh37 (hg19) VCF-style: chr7-5567993-C-T.
Other names: short protein forms E241K.
Identifiers: ClinVar variation 1698347 (VCV001698347.3), dbSNP rs2128241271, ClinGen allele CA366702014.